The following is an entry in ClinVar:

ClinVar aggregate classification (germline): Uncertain significance (1 of 4 stars; one submission).

Conditions:
Familial idiopathic hypercalciuria (HCA2). Also called: Hypercalciuria, absorptive, 2; Hypercalciuria, absorptive, susceptibility to. Identifiers: MedGen C0342639, MONDO:0007748, OMIM 143870.

Allele frequency attached by ClinVar (database versions not stated): gnomAD exomes below 0.00001; ExAC 0.00001.
gnomAD v4.1: 1 of 1,614,180 alleles (0.000062%); highest among the groups gnomAD compares: South Asian, 0.0011%; no homozygotes.

Submission:

Neuberg Centre For Genomic Medicine, NCGM
Classification: Uncertain significance for Familial idiopathic hypercalciuria. Review status: criteria provided, single submitter. Criteria: ACMG Guidelines, 2015. Collection method: clinical testing. Allele origin: germline. Inheritance: Autosomal dominant inheritance. Affected: yes.
Comment: The missense variant p.L129S in ADCY10 (NM_018417.6) has not been reported previously as a pathogenic variant nor as a benign variant, to our knowledge. There is a large physicochemical difference between leucine and serine, which is likely to impact secondary protein structure as these residues differ in polarity, charge, size and/or other properties. For these reasons, this variant has been classified as Uncertain Significance.

NM_018417.6(ADCY10):c.386T>C (p.Leu129Ser)

Genes: ADCY10 (adenylate cyclase 10; minus strand), DCAF6 (DDB1 and CUL4 associated factor 6; plus strand). Cytogenetic location: 1q24.2.
Variant type: single nucleotide variant.
Coding change: c.386T>C on transcript NM_018417.6 (MANE Select); coding-DNA position 386, T replaced by C.
Protein change: p.Leu129Ser; replaces leucine 129 with serine.
Molecular consequence: missense variant. On other transcripts: intron variant (1).
Genome position (GRCh38, 1-based): chr1:167,901,712, A>G on the plus strand (T>C on the coding strand, the complement: ADCY10 is on the minus strand). VCF-style: chr1-167901712-A-G. GRCh37 (hg19) VCF-style: chr1-167870950-A-G.
Other names: c.110T>C, p.Leu37Ser (NM_001297772.2); c.-24+304T>C (NM_001167749.3); short protein forms L129S, L37S.
Identifiers: ClinVar variation 2627674 (VCV002627674.1), dbSNP rs763018908, ClinGen allele CA1228294.